The following is an entry in ClinVar:

NM_031407.7(HUWE1):c.238G>A (p.Val80Ile)

Gene: HUWE1 (HECT, UBA and WWE domain containing E3 ubiquitin protein ligase 1; minus strand). Cytogenetic location: Xp11.22.
Variant type: single nucleotide variant.
Coding change: c.238G>A on transcript NM_031407.7 (MANE Select); coding-DNA position 238, G replaced by A.
Protein change: p.Val80Ile; replaces valine 80 with isoleucine.
Molecular consequence: missense variant.
Genome position (GRCh38, 1-based): chrX:53,647,481, C>T on the plus strand (G>A on the coding strand, the complement: HUWE1 is on the minus strand). VCF-style: chrX-53647481-C-T. GRCh37 (hg19) VCF-style: chrX-53674424-C-T.
Other names: c.238G>A (NM_031407.4); short protein forms V80I.
Identifiers: ClinVar variation 435484 (VCV000435484.10), dbSNP rs373104305, ClinGen allele CA10423133.
Genomic context (GRCh38, chrX:53,647,481, plus strand): 5'-TGAAGTTCAACACAGCCAAGAGAAGCATTTTCAGTTGCTCTCTTTCTGGCCTATCACATA[C>T]GAGCATCCATGACATATTCTCCACTGTCTGTCCAGCATCTGCCAGTATTCCATCGAAGCG-3'
Protein context (NP_113584.3, residues 70-90): QTVENMSWML[Val80Ile]CDRPEREQLK

ClinVar aggregate classification (germline): Conflicting classifications of pathogenicity. Review status: criteria provided, conflicting classifications (1 of 4 stars). 4 submissions from 4 submitters: Uncertain significance (2); Benign (1); Likely benign (1). Last evaluated 2025-09-24.

Conditions:
HUWE1-related disorder. Also called: HUWE1-related condition.
Inborn genetic diseases. Identifiers: MedGen C0950123, MeSH D030342.

Allele frequency attached by ClinVar (database versions not stated): TOPMed 0.00001; gnomAD 0.00003 and 0.00004; gnomAD exomes 0.00003 and 0.00011; ESP Exome Variant Server 0.00009; ExAC 0.00013.

Submissions (4):

Labcorp Genetics (formerly Invitae), Labcorp
Classification: Benign. Last evaluated: 2025-09-24. Review status: criteria provided, single submitter. Criteria: Invitae Variant Classification Sherloc (09022015). Collection method: clinical testing. Allele origin: germline.

PreventionGenetics, part of Exact Sciences
Classification: Likely benign for HUWE1-related condition. Last evaluated: 2025-04-18. Review status: criteria provided, single submitter. Criteria: ACMG Guidelines, 2015. Collection method: clinical testing. Allele origin: germline.
Comment: This variant is classified as likely benign based on ACMG/AMP sequence variant interpretation guidelines (Richards et al. 2015 PMID: 25741868, with internal and published modifications).

Ambry Genetics
Classification: Uncertain significance for Inborn genetic diseases. Last evaluated: 2021-06-23. Review status: criteria provided, single submitter. Criteria: Ambry Variant Classification Scheme 2023. Collection method: clinical testing. Allele origin: germline.

Genetic Services Laboratory, University of Chicago
Classification: Uncertain significance. Last evaluated: 2016-08-01. Review status: criteria provided, single submitter. Criteria: ACMG Guidelines, 2015. Collection method: clinical testing. Allele origin: germline. Affected: no.